The following is an entry in ClinVar:

ClinVar aggregate classification (germline): Benign/Likely benign. Review status: criteria provided, multiple submitters, no conflicts (2 of 4 stars). 6 submissions from 6 submitters: Benign (1); Likely benign (4). 1 of the submissions does not count toward it. Last evaluated 2025-11-24.

Conditions:
MEN1-related disorder. Also called: MEN1-related condition.
Hereditary cancer-predisposing syndrome. Also called: Tumor predisposition; Hereditary neoplastic syndrome; Neoplastic Syndromes, Hereditary; Hereditary Cancer Syndrome. Identifiers: Orphanet 140162, MedGen C0027672, MeSH D009386, MONDO:0015356.
Multiple endocrine neoplasia, type 1 (MEN1). Also called: MEN I; WERMER SYNDROME; MEA I; Endocrine adenomatosis multiple; MEN 1. Identifiers: Orphanet 652, MedGen C0025267, MeSH D018761, MONDO:0007540, OMIM 131100.

Allele frequency attached by ClinVar (database versions not stated): gnomAD below 0.00001 and 0.00004; gnomAD exomes 0.00003 and 0.00008; ExAC 0.00008; 1000 Genomes Project 0.00020; 1000 Genomes Project 30x 0.00031.
gnomAD v4.1: 55 of 1,614,192 alleles (0.0034%); highest among the groups gnomAD compares: South Asian, 0.051%; 1 homozygote.

Submissions (6):

Labcorp Genetics (formerly Invitae), Labcorp
Classification: Likely benign for Multiple endocrine neoplasia, type 1. Last evaluated: 2025-11-24. Review status: criteria provided, single submitter. Criteria: Invitae Variant Classification Sherloc (09022015). Collection method: clinical testing. Allele origin: germline.

Myriad Genetics, Inc.
Classification: Benign for Multiple endocrine neoplasia, type 1. Last evaluated: 2024-11-04. Review status: criteria provided, single submitter. Criteria: Myriad Autosomal Dominant, Autosomal Recessive and X-Linked Classification Criteria (2023). Collection method: clinical testing. Allele origin: unknown.
Comment: This variant is considered benign. This variant is a silent/synonymous amino acid change and it is not expected to impact splicing.

All of Us Research Program, National Institutes of Health
Classification: Likely benign for Multiple endocrine neoplasia, type 1. Last evaluated: 2024-02-05. Review status: criteria provided, single submitter. Criteria: ACMG Guidelines, 2015. Collection method: clinical testing. Allele origin: germline. Inheritance: Autosomal dominant inheritance. Observed: 4 variant alleles, 4 heterozygotes.
Comment: This study involves interpretation of variants in research participants for the purpose of population health screening. Participant phenotype was not available at the time of variant classification. Additional details can be found in publication PMID: 35346344, PMCID: PMC8962531

Color Diagnostics, LLC DBA Color Health
Classification: Likely benign for Multiple endocrine neoplasia, type 1. Last evaluated: 2022-11-06. Review status: criteria provided, single submitter. Criteria: ACMG Guidelines, 2015. Collection method: clinical testing. Allele origin: germline.

Ambry Genetics
Classification: Likely benign for Hereditary cancer-predisposing syndrome. Last evaluated: 2019-11-13. Review status: criteria provided, single submitter. Criteria: Ambry Variant Classification Scheme 2023. Collection method: clinical testing. Allele origin: germline.

PreventionGenetics, part of Exact Sciences
Classification: Likely benign for MEN1-related condition. Last evaluated: 2019-04-30. Review status: no assertion criteria provided. Collection method: clinical testing. Allele origin: germline. Not counted in ClinVar's aggregate classification.
Comment: This variant is classified as likely benign based on ACMG/AMP sequence variant interpretation guidelines (Richards et al. 2015 PMID: 25741868, with internal and published modifications).

NM_001370259.2(MEN1):c.1119C>A (p.Pro373=)

Gene: MEN1 (menin 1; minus strand). Cytogenetic location: 11q13.1.
Variant type: single nucleotide variant.
Coding change: c.1119C>A on transcript NM_001370259.2 (MANE Select); coding-DNA position 1119, C replaced by A.
Protein change: p.Pro373=; no amino-acid change (proline 373 retained).
Molecular consequence: synonymous variant.
Genome position (GRCh38, 1-based): chr11:64,805,701, G>T on the plus strand (C>A on the coding strand, the complement: MEN1 is on the minus strand). VCF-style: chr11-64805701-G-T. GRCh37 (hg19) VCF-style: chr11-64573173-G-T.
Other names: c.1134C>A, p.Pro378= (NM_000244.4, NM_130800.3, NM_130801.3 and 3 more transcripts); c.1245C>A, p.Pro415= (NM_001370251.2); c.1119C>A, p.Pro373= (NM_001370260.2, NM_001370261.2, NM_130799.3); c.1014C>A, p.Pro338= (NM_001370262.2, NM_001370263.2); c.1134C>A (NM_000244.3).
Identifiers: ClinVar variation 706706 (VCV000706706.19), dbSNP rs535417698, ClinGen allele CA059958.